The following is an entry in ClinVar:

ClinVar aggregate classification (germline): Uncertain significance. Review status: criteria provided, multiple submitters, no conflicts (2 of 4 stars). 2 submissions from 2 submitters: Uncertain significance (2). Last evaluated 2026-06-30.

Conditions:
PLXNA2-related disorder. Also called: PLXNA2-related condition.

Allele frequency attached by ClinVar (database versions not stated): gnomAD 0.00004; gnomAD exomes 0.00005.
gnomAD v4.1: 84 of 1,613,318 alleles (0.0052%); highest among the groups gnomAD compares: South Asian, 0.077%; 2 homozygotes.

Submissions (2):

PreventionGenetics, part of Exact Sciences
Classification: Uncertain significance for PLXNA2-related condition. Last evaluated: 2026-06-30. Review status: criteria provided, single submitter. Criteria: ACMG Guidelines, 2015. Collection method: clinical testing. Allele origin: germline.
Comment: The PLXNA2 c.4844G>A variant is predicted to result in the amino acid substitution p.Arg1615Gln. To our knowledge, this variant has not been reported in the literature. This variant is reported in 0.095% of alleles in individuals of South Asian descent in gnomAD. Although we suspect that this variant may be benign, at this time, the clinical significance of this variant is uncertain due to the absence of conclusive functional and genetic evidence.

Labcorp Genetics (formerly Invitae), Labcorp
Classification: Uncertain significance. Last evaluated: 2023-07-03. Review status: criteria provided, single submitter. Criteria: Invitae Variant Classification Sherloc (09022015). Collection method: clinical testing. Allele origin: germline.
Comment: In summary, the available evidence is currently insufficient to determine the role of this variant in disease. Therefore, it has been classified as a Variant of Uncertain Significance. An algorithm developed to predict the effect of missense changes on protein structure and function (PolyPhen-2) suggests that this variant is likely to be disruptive. This variant has not been reported in the literature in individuals affected with PLXNA2-related conditions. This variant is present in population databases (rs370850148, gnomAD 0.1%), and has an allele count higher than expected for a pathogenic variant. This sequence change replaces arginine, which is basic and polar, with glutamine, which is neutral and polar, at codon 1615 of the PLXNA2 protein (p.Arg1615Gln).

NM_025179.4(PLXNA2):c.4844G>A (p.Arg1615Gln)

Gene: PLXNA2 (plexin A2; minus strand). Cytogenetic location: 1q32.2.
Variant type: single nucleotide variant.
Coding change: c.4844G>A on transcript NM_025179.4 (MANE Select); coding-DNA position 4844, G replaced by A.
Protein change: p.Arg1615Gln; replaces arginine 1615 with glutamine.
Molecular consequence: missense variant.
Genome position (GRCh38, 1-based): chr1:208,034,513, C>T on the plus strand (G>A on the coding strand, the complement: PLXNA2 is on the minus strand). VCF-style: chr1-208034513-C-T. GRCh37 (hg19) VCF-style: chr1-208207858-C-T.
Other names: c.4844G>A (NM_025179.3); short protein forms R1615Q.
Identifiers: ClinVar variation 2982779 (VCV002982779.4), dbSNP rs370850148, ClinGen allele CA1372748.